The following is an entry in ClinVar:

ClinVar aggregate classification (germline): Pathogenic (1 of 4 stars; one submission).

Submission:

Labcorp Genetics (formerly Invitae), Labcorp
Classification: Pathogenic. Last evaluated: 2024-03-07. Review status: criteria provided, single submitter. Criteria: Invitae Variant Classification Sherloc (09022015). Collection method: clinical testing. Allele origin: germline.
Comment: This sequence change creates a premature translational stop signal (p.Gly318Glufs*14) in the FRAS1 gene. It is expected to result in an absent or disrupted protein product. Loss-of-function variants in FRAS1 are known to be pathogenic (PMID: 12766769, 18671281). This variant is not present in population databases (gnomAD no frequency). This variant has not been reported in the literature in individuals affected with FRAS1-related conditions. For these reasons, this variant has been classified as Pathogenic.

Literature cited by the submitters: PubMed 12766769; PubMed 18671281.

NM_025074.7(FRAS1):c.951del (p.Gly318fs)

Gene: FRAS1 (Fraser extracellular matrix complex subunit 1; plus strand). Cytogenetic location: 4q21.21.
Variant type: Deletion.
Coding change: c.951del on transcript NM_025074.7 (MANE Select); coding-DNA position 951, one base deleted (T; older notation c.951delT).
Protein change: p.Gly318fs; shifts the reading frame from glycine 318.
Molecular consequence: frameshift variant.
Genome position (GRCh38, 1-based): chr4:78,267,402, T deleted. VCF-style (leftmost placement, unchanged base first): chr4-78267401-CT-C. GRCh37 (hg19) VCF-style: chr4-79188555-CT-C.
Other names: c.951del, p.Gly318fs (NM_001166133.2); short protein forms G318fs.
Identifiers: ClinVar variation 3645053 (VCV003645053.2).
Genomic context (GRCh38, chr4:78,267,401, plus strand): 5'-TGTGGAAGGGCTCGGCCTGTGAGTTCTGCATGTGTGATCATGGCCAAGTGACCTGCCAGA[CT>C]GGAGAGTGTGCCAAAGTGGAGTGTGCCCGGGTAAGAAGCAGGGGCATTTCCATTTGGAAC-3'